The following is an entry in ClinVar:

NM_000396.4(CTSK):c.614G>C (p.Gly205Ala)

Gene: CTSK (cathepsin K; minus strand). Cytogenetic location: 1q21.3.
Variant type: single nucleotide variant.
Coding change: c.614G>C on transcript NM_000396.4 (MANE Select); coding-DNA position 614, G replaced by C.
Protein change: p.Gly205Ala; replaces glycine 205 with alanine.
Molecular consequence: missense variant.
Genome position (GRCh38, 1-based): chr1:150,804,025, C>G on the plus strand (G>C on the coding strand, the complement: CTSK is on the minus strand). VCF-style: chr1-150804025-C-G. GRCh37 (hg19) VCF-style: chr1-150776501-C-G.
Other names: short protein forms G205A.
Identifiers: ClinVar variation 4881683 (VCV004881683.2).

ClinVar aggregate classification (germline): Uncertain significance (1 of 4 stars; one submission).

Submission:

Dasa
Classification: Uncertain significance. Last evaluated: 2025-01-16. Review status: criteria provided, single submitter. Criteria: DASA Assertion Criteria. Collection method: clinical testing. Allele origin: germline.
Comment: NM_000396.4(CTSK):c.614G>C (p.Gly205Ala) is a missense variant that results in the substitution of glycine with alanine. This variant is absent from population databases. Computational prediction algorithms are consistent with a benign effect. The currently available literature and clinical evidence are not sufficient to establish a definitive association between this variant and the reported condition. Therefore, this variant is classified as a variant of uncertain significance.